The following is an entry in ClinVar:

NM_015378.4(VPS13D):c.10758G>A (p.Gln3586=)

Gene: VPS13D (vacuolar protein sorting 13 homolog D; plus strand). Cytogenetic location: 1p36.22.
Variant type: single nucleotide variant.
Coding change: c.10758G>A on transcript NM_015378.4 (MANE Select); coding-DNA position 10758, G replaced by A.
Protein change: p.Gln3586=; no amino-acid change (glutamine 3586 retained).
Molecular consequence: synonymous variant.
Genome position (GRCh38, 1-based): chr1:12,369,652, G>A. VCF-style: chr1-12369652-G-A. GRCh37 (hg19) VCF-style: chr1-12429707-G-A.
Other names: p.Gln3586=; c.10683G>A, p.Gln3561= (NM_018156.4).
Identifiers: ClinVar variation 1580881 (VCV001580881.9), dbSNP rs369842419, ClinGen allele CA603774.
Genomic context (GRCh38, chr1:12,369,652, plus strand): 5'-TAAAGGGGCAGGGTCCTCTGAGATCAACTGCAACATGAATGATTTCCAGGATAATCGGCA[G>A]CTTTATTATGAAAATTTCATTTACATTGCTGCTACATATACATTCTCTGGGTAATTCTTG-3'
Protein context (NP_056193.2, residues 3576-3596): CNMNDFQDNR[Gln3586=]LYYENFIYIA

ClinVar aggregate classification (germline): Likely benign. Review status: criteria provided, multiple submitters, no conflicts (2 of 4 stars). 2 submissions from 2 submitters: Likely benign (2). Last evaluated 2025-02-14.

Allele frequency attached by ClinVar (database versions not stated): gnomAD exomes 0.00004; ExAC 0.00005; ESP Exome Variant Server 0.00008; gnomAD 0.00008 and 0.00009; TOPMed 0.00009.
gnomAD v4.1: 95 of 1,614,038 alleles (0.0059%); highest among the groups gnomAD compares: Middle Eastern, 0.016%; no homozygotes.

Submissions (2):

Mayo Clinic Laboratories, Mayo Clinic
Classification: Likely benign. Last evaluated: 2025-02-14. Review status: criteria provided, single submitter. Criteria: ACMG Guidelines, 2015. Collection method: clinical testing. Allele origin: germline. Observed: 1 variant allele.
Comment: BP4, BP7

Labcorp Genetics (formerly Invitae), Labcorp
Classification: Likely benign. Last evaluated: 2023-05-02. Review status: criteria provided, single submitter. Criteria: Invitae Variant Classification Sherloc (09022015). Collection method: clinical testing. Allele origin: germline.